The following is an entry in ClinVar:

ClinVar aggregate classification (germline): Uncertain significance (1 of 4 stars; one submission).

Conditions:
Hereditary breast ovarian cancer syndrome. Also called: BRCA1- and BRCA2-Associated Hereditary Breast and Ovarian Cancer; Hereditary breast and ovarian cancer; Hereditary breast and/or ovarian cancer syndrome; Hereditary breast and ovarian cancer syndrome; Hereditary breast and ovarian cancer syndrome (HBOC); Breast and ovarian cancer. Identifiers: Orphanet 145, MedGen C0677776, MeSH D061325, MONDO:0003582. Disease mechanism: loss of function.

Submission:

Labcorp Genetics (formerly Invitae), Labcorp
Classification: Uncertain significance for Hereditary breast ovarian cancer syndrome. Last evaluated: 2021-06-11. Review status: criteria provided, single submitter. Criteria: Invitae Variant Classification Sherloc (09022015). Collection method: clinical testing. Allele origin: germline.
Comment: This variant has not been reported in the literature in individuals with BRCA2-related conditions. This variant is not present in population databases (ExAC no frequency). This sequence change replaces lysine with asparagine at codon 3032 of the BRCA2 protein (p.Lys3032Asn). The lysine residue is highly conserved and there is a moderate physicochemical difference between lysine and asparagine. Advanced modeling of protein sequence and biophysical properties (such as structural, functional, and spatial information, amino acid conservation, physicochemical variation, residue mobility, and thermodynamic stability) performed at Invitae indicates that this missense variant is not expected to disrupt BRCA2 protein function. In summary, the available evidence is currently insufficient to determine the role of this variant in disease. Therefore, it has been classified as a Variant of Uncertain Significance.

NM_000059.4(BRCA2):c.9096A>T (p.Lys3032Asn)

Gene: BRCA2 (BRCA2 DNA repair associated; plus strand). Cytogenetic location: 13q13.1.
Variant type: single nucleotide variant.
Coding change: c.9096A>T on transcript NM_000059.4 (MANE Select); coding-DNA position 9096, A replaced by T.
Protein change: p.Lys3032Asn; replaces lysine 3032 with asparagine.
Molecular consequence: missense variant.
Genome position (GRCh38, 1-based): chr13:32,379,892, A>T. VCF-style: chr13-32379892-A-T. GRCh37 (hg19) VCF-style: chr13-32954029-A-T.
Other names: short protein forms K3032N.
Identifiers: ClinVar variation 1360282 (VCV001360282.8), dbSNP rs864622582, ClinGen allele CA387757672.